The following is an entry in ClinVar:

ClinVar aggregate classification (germline): Benign (1 of 4 stars; one submission).

Allele frequency attached by ClinVar (database versions not stated): 1000 Genomes Project 0.02117; 1000 Genomes Project 30x 0.02249; TOPMed 0.03228; gnomAD 0.03240 and 0.03339.
gnomAD v4.1: 4,928 of 152,120 alleles (3.2%); highest among the groups gnomAD compares: Middle Eastern, 8.5%; 110 homozygotes.

Submission:

GeneDx
Classification: Benign. Last evaluated: 2018-06-14. Review status: criteria provided, single submitter. Criteria: GeneDx Variant Classification (06012015). Collection method: clinical testing. Allele origin: germline. Affected: yes.
Comment: This variant is considered likely benign or benign based on one or more of the following criteria: it is a conservative change, it occurs at a poorly conserved position in the protein, it is predicted to be benign by multiple in silico algorithms, and/or has population frequency not consistent with disease.

NM_001854.4(COL11A1):c.3709-180G>C

Gene: COL11A1 (collagen type XI alpha 1 chain; minus strand). Cytogenetic location: 1p21.1.
Variant type: single nucleotide variant.
Coding change: c.3709-180G>C on transcript NM_001854.4 (MANE Select); 180 bases into the intron before coding-DNA position 3709, G replaced by C.
Molecular consequence: intron variant.
Genome position (GRCh38, 1-based): chr1:102,920,544, C>G on the plus strand (G>C on the coding strand, the complement: COL11A1 is on the minus strand). VCF-style: chr1-102920544-C-G. GRCh37 (hg19) VCF-style: chr1-103386100-C-G.
Other names: c.3592-180G>C (NM_001190709.2); c.3745-180G>C (NM_080629.3); c.3361-180G>C (NM_080630.4).
Identifiers: ClinVar variation 677966 (VCV000677966.1), dbSNP rs41292529, ClinGen allele CA27681824.